The following is an entry in ClinVar:

NM_001059.3(TACR3):c.447_448del (p.Ser149fs)

Gene: TACR3 (tachykinin receptor 3; minus strand). Cytogenetic location: 4q24.
Variant type: Deletion.
Coding change: c.447_448del on transcript NM_001059.3 (MANE Select); coding-DNA positions 447 to 448, 2 bases deleted (CG; older notation c.447_448delCG).
Protein change: p.Ser149fs; shifts the reading frame from serine 149.
Molecular consequence: frameshift variant.
Genome position (GRCh38, 1-based): chr4:103,719,228-103,719,229, CG deleted on the plus strand (CG on the coding strand, the reverse complement: TACR3 is on the minus strand); deleting any 2 consecutive bases within chr4:103,719,228-103,719,230 gives the same sequence; the c. name uses the placement nearest the transcript's 3' end. VCF-style (leftmost placement, unchanged base first): chr4-103719227-TCG-T. GRCh37 (hg19) VCF-style: chr4-104640384-TCG-T.
Other names: c.447_448delCG (NM_001059.2); short protein forms S149fs.
Identifiers: ClinVar variation 817809 (VCV000817809.2), dbSNP rs1578272223, ClinGen allele CA915943186.

ClinVar aggregate classification (germline): Likely pathogenic (1 of 4 stars; one submission).

Submission:

GeneDx
Classification: Likely pathogenic. Last evaluated: 2020-10-12. Review status: criteria provided, single submitter. Criteria: GeneDx Variant Classification Process June 2021. Collection method: clinical testing. Allele origin: germline. Affected: yes.
Comment: Frameshift variant predicted to result in protein truncation or nonsense mediated decay in a gene for which loss-of-function is a known mechanism of disease; Not observed in large population cohorts (Lek et al., 2016); Has not been previously published as pathogenic or benign to our knowledge